The following is an entry in ClinVar:

NM_006841.6(SLC38A3):c.978C>T (p.Ile326=)

Gene: SLC38A3 (solute carrier family 38 member 3; plus strand). Cytogenetic location: 3p21.31.
Variant type: single nucleotide variant.
Coding change: c.978C>T on transcript NM_006841.6 (MANE Select); coding-DNA position 978, C replaced by T.
Protein change: p.Ile326=; no amino-acid change (isoleucine 326 retained).
Molecular consequence: synonymous variant.
Genome position (GRCh38, 1-based): chr3:50,218,312, C>T. VCF-style: chr3-50218312-C-T. GRCh37 (hg19) VCF-style: chr3-50255744-C-T.
Identifiers: ClinVar variation 5038456 (VCV005038456.1).
Genomic context (GRCh38, chr3:50,218,312, plus strand): 5'-CCCCCCACTTCCCCACAGCCCCTCCAAGAAGAAGATGCAGCACATCTCCAACCTGTCCAT[C>T]GCTGTCATGTACATCATGTACTTCCTGGCTGCCCTCTTCGGCTACCTCACCTTCTACAGT-3'
Protein context (NP_006832.1, residues 316-336): KKMQHISNLS[Ile326=]AVMYIMYFLA

ClinVar aggregate classification (germline): Likely benign (1 of 4 stars; one submission).

Submission:

CeGaT Center for Human Genetics Tuebingen
Classification: Likely benign. Last evaluated: 2026-08-01. Review status: criteria provided, single submitter. Criteria: CeGaT Center For Human Genetics Tuebingen Variant Classification Criteria Version 2. Collection method: clinical testing. Allele origin: germline. Affected: yes. Observed: 2 variant alleles.
Comment: SLC38A3: BP4, BP7